The following is an entry in ClinVar:

NM_002691.4(POLD1):c.1608G>C (p.Ala536=)

Gene: POLD1 (DNA polymerase delta 1, catalytic subunit; plus strand). Cytogenetic location: 19q13.33.
Variant type: single nucleotide variant.
Coding change: c.1608G>C on transcript NM_002691.4 (MANE Select); coding-DNA position 1608, G replaced by C.
Protein change: p.Ala536=; no amino-acid change (alanine 536 retained).
Molecular consequence: synonymous variant. On other transcripts: non-coding transcript variant (1).
Genome position (GRCh38, 1-based): chr19:50,407,096, G>C. VCF-style: chr19-50407096-G-C. GRCh37 (hg19) VCF-style: chr19-50910353-G-C.
Other names: c.1608G>C, p.Ala536= (NM_001256849.1, NM_001308632.1); c.1608G>C (NM_002691.2).
Identifiers: ClinVar variation 537151 (VCV000537151.12), dbSNP rs568549476, ClinGen allele CA508184032.

ClinVar aggregate classification (germline): Benign/Likely benign. Review status: criteria provided, multiple submitters, no conflicts (2 of 4 stars). 3 submissions from 3 submitters: Benign (1); Likely benign (2). Last evaluated 2025-02-14.

Conditions:
Hereditary cancer-predisposing syndrome. Also called: Tumor predisposition; Neoplastic Syndromes, Hereditary; Hereditary Cancer Syndrome; Hereditary neoplastic syndrome. Identifiers: Orphanet 140162, MedGen C0027672, MeSH D009386, MONDO:0015356.
POLD1-related polyposis and colorectal cancer syndrome (CRCS10). Also called: Colorectal cancer 10; COLORECTAL CANCER, SUSCEPTIBILITY TO, ON CHROMOSOME 19q; Colorectal cancer, susceptibility to, 10. Identifiers: Orphanet 220460, MedGen C2675481, MONDO:0012953, OMIM 612591.

Submissions (3):

Ambry Genetics
Classification: Likely benign for Hereditary cancer-predisposing syndrome. Last evaluated: 2025-02-14. Review status: criteria provided, single submitter. Criteria: Ambry Variant Classification Scheme 2023. Collection method: clinical testing. Allele origin: germline.

Myriad Genetics, Inc.
Classification: Benign for POLD1-related polyposis and colorectal cancer syndrome. Last evaluated: 2025-02-07. Review status: criteria provided, single submitter. Criteria: Myriad Autosomal Dominant, Autosomal Recessive and X-Linked Classification Criteria (2023). Collection method: clinical testing. Allele origin: unknown.
Comment: This variant is considered benign. This variant is a silent/synonymous amino acid change and it is not expected to impact splicing.

Labcorp Genetics (formerly Invitae), Labcorp
Classification: Likely benign for POLD1-related polyposis and colorectal cancer syndrome. Last evaluated: 2024-05-29. Review status: criteria provided, single submitter. Criteria: Invitae Variant Classification Sherloc (09022015). Collection method: clinical testing. Allele origin: germline.